The following is an entry in ClinVar:

ClinVar aggregate classification (germline): Likely benign (1 of 4 stars; one submission).

gnomAD v4.1: 2 of 1,559,306 alleles (0.00013%); highest among the groups gnomAD compares: Admixed American, 0.0042%; no homozygotes.

Submission:

Women's Health and Genetics/Laboratory Corporation of America, LabCorp
Classification: Likely benign. Last evaluated: 2025-12-23. Review status: criteria provided, single submitter. Criteria: LabCorp Variant Classification Summary - May 2015. Collection method: clinical testing. Allele origin: germline.
Comment: Variant summary: CHD4 c.800-9T>C alters a nucleotide located at a position not widely known to affect splicing. Consensus agreement among computation tools predict no significant impact on normal splicing. However, these predictions have yet to be confirmed by functional studies. The variant allele was found at a frequency of 9.8e-06 in 203244 control chromosomes. The available data on variant occurrences in the general population are insufficient to allow any conclusion about variant significance. To our knowledge, no occurrence of c.800-9T>C in individuals affected with CHD4-related conditions and no experimental evidence demonstrating its impact on protein function have been reported. No submitters have cited clinical-significance assessments for this variant to ClinVar. Based on the evidence outlined above, the variant was classified as likely benign.

NM_001273.5(CHD4):c.800-9T>C

Gene: CHD4 (chromodomain helicase DNA binding protein 4; minus strand). Cytogenetic location: 12p13.31.
Variant type: single nucleotide variant.
Coding change: c.800-9T>C on transcript NM_001273.5 (MANE Select); 9 bases into the intron before coding-DNA position 800, T replaced by C.
Molecular consequence: intron variant.
Genome position (GRCh38, 1-based): chr12:6,601,062, A>G on the plus strand (T>C on the coding strand, the complement: CHD4 is on the minus strand). VCF-style: chr12-6601062-A-G. GRCh37 (hg19) VCF-style: chr12-6710228-A-G.
Other names: c.800-9T>C (NM_001363606.2); c.779-9T>C (NM_001297553.2).
Identifiers: ClinVar variation 4688880 (VCV004688880.1).